The following is an entry in ClinVar:

ClinVar aggregate classification (germline): Likely benign. Review status: criteria provided, single submitter (1 of 4 stars). 2 submissions from 2 submitters: Likely benign (1). 1 of the submissions does not count toward it. Last evaluated 2025-10-13.

Conditions:
LRP2-related disorder. Also called: LRP2-related condition.

Submissions (2):

Labcorp Genetics (formerly Invitae), Labcorp
Classification: Likely benign. Last evaluated: 2025-10-13. Review status: criteria provided, single submitter. Criteria: Invitae Variant Classification Sherloc (09022015). Collection method: clinical testing. Allele origin: germline.

PreventionGenetics, part of Exact Sciences
Classification: Likely benign for LRP2-related condition. Last evaluated: 2019-06-13. Review status: no assertion criteria provided. Collection method: clinical testing. Allele origin: germline. Not counted in ClinVar's aggregate classification.
Comment: This variant is classified as likely benign based on ACMG/AMP sequence variant interpretation guidelines (Richards et al. 2015 PMID: 25741868, with internal and published modifications).

NM_004525.3(LRP2):c.11712T>C (p.Asn3904=)

Gene: LRP2 (LDL receptor related protein 2; minus strand). Cytogenetic location: 2q31.1.
Variant type: single nucleotide variant.
Coding change: c.11712T>C on transcript NM_004525.3 (MANE Select); coding-DNA position 11712, T replaced by C.
Protein change: p.Asn3904=; no amino-acid change (asparagine 3904 retained).
Molecular consequence: synonymous variant.
Genome position (GRCh38, 1-based): chr2:169,165,978, A>G on the plus strand (T>C on the coding strand, the complement: LRP2 is on the minus strand). VCF-style: chr2-169165978-A-G. GRCh37 (hg19) VCF-style: chr2-170022488-A-G.
Other names: c.11712T>C (NM_004525.2).
Identifiers: ClinVar variation 2187324 (VCV002187324.6), dbSNP rs1686766892, ClinGen allele CA429925714.
Genomic context (GRCh38, chr2:169,165,978, plus strand): 5'-TGACTTTTGCTTACAGTGCTCCTCTGTCTCATCAGTTCCATCTCCACAGTCATCCACACC[A>G]TTGCACACCTCATGACTATAAATGCAGCGATTGTTGTCACACCGGAAACGGTTTGGTGAA-3'
Protein context (NP_004516.2, residues 3894-3914): NRCIYSHEVC[Asn3904=]GVDDCGDGTD